The following is an entry in ClinVar:

ClinVar aggregate classification (germline): Uncertain significance (1 of 4 stars; one submission).

Conditions:
Hereditary cancer-predisposing syndrome. Also called: Neoplastic Syndromes, Hereditary; Tumor predisposition; Hereditary neoplastic syndrome; Hereditary Cancer Syndrome. Identifiers: Orphanet 140162, MedGen C0027672, MeSH D009386, MONDO:0015356.

Submission:

Ambry Genetics
Classification: Uncertain significance for Hereditary cancer-predisposing syndrome. Last evaluated: 2023-03-05. Review status: criteria provided, single submitter. Criteria: Ambry Variant Classification Scheme 2023. Collection method: clinical testing. Allele origin: germline.
Comment: The p.S739F variant (also known as c.2216C>T), located in coding exon 19 of the TSC2 gene, results from a C to T substitution at nucleotide position 2216. The serine at codon 739 is replaced by phenylalanine, an amino acid with highly dissimilar properties. This amino acid position is conserved. In addition, the in silico prediction for this alteration is inconclusive. Since supporting evidence is limited at this time, the clinical significance of this alteration remains unclear.

NM_000548.5(TSC2):c.2216C>T (p.Ser739Phe)

Gene: TSC2 (TSC complex subunit 2; plus strand). Cytogenetic location: 16p13.3.
Variant type: single nucleotide variant.
Coding change: c.2216C>T on transcript NM_000548.5 (MANE Select); coding-DNA position 2216, C replaced by T.
Protein change: p.Ser739Phe; replaces serine 739 with phenylalanine.
Molecular consequence: missense variant. On other transcripts: non-coding transcript variant (5).
Genome position (GRCh38, 1-based): chr16:2,072,359, C>T. VCF-style: chr16-2072359-C-T. GRCh37 (hg19) VCF-style: chr16-2122360-C-T.
Other names: c.2249C>T, p.Ser750Phe (NM_001318832.2); c.2216C>T, p.Ser739Phe (NM_001363528.2, NM_001370404.1, NM_001370405.1 and 6 more transcripts); c.2306C>T, p.Ser769Phe (NM_001406667.1, NM_001406668.1); c.2105C>T, p.Ser702Phe (NM_001406670.1, NM_001406678.1, NM_001318827.2); c.2204C>T, p.Ser735Phe (NM_001406671.1, NM_001406673.1); c.2069C>T, p.Ser690Phe (NM_001406675.1, NM_001406676.1, NM_001406679.1 and 1 more transcripts); c.2159C>T, p.Ser720Phe (NM_001406677.1); c.1616C>T, p.Ser539Phe (NM_001406680.1, NM_001406682.1, NM_001406683.1 and 6 more transcripts); and 3 more; short protein forms S585F, S702F, S750F, S205F, S690F, S735F, S539F, S739F.
Identifiers: ClinVar variation 2450004 (VCV002450004.2), dbSNP rs2151319715, ClinGen allele CA394275159.